The following is an entry in ClinVar:

ClinVar aggregate classification (germline): Uncertain significance (1 of 4 stars; one submission).

Conditions:
Congenital contractural arachnodactyly (CCA). Also called: Arthrogryposis, distal, type 9; BEALS SYNDROME; Beals-Hecht syndrome. Identifiers: Orphanet 115, MedGen C0220668, MONDO:0007363, OMIM 121050.

Submission:

Labcorp Genetics (formerly Invitae), Labcorp
Classification: Uncertain significance for Congenital contractural arachnodactyly. Last evaluated: 2020-08-02. Review status: criteria provided, single submitter. Criteria: Invitae Variant Classification Sherloc (09022015). Collection method: clinical testing. Allele origin: germline.
Comment: In summary, the available evidence is currently insufficient to determine the role of this variant in disease. Therefore, it has been classified as a Variant of Uncertain Significance. Advanced modeling of protein sequence and biophysical properties (such as structural, functional, and spatial information, amino acid conservation, physicochemical variation, residue mobility, and thermodynamic stability) performed at Invitae indicates that this missense variant is expected to disrupt FBN2 protein function. This variant has not been reported in the literature in individuals with FBN2-related conditions. This variant is not present in population databases (ExAC no frequency). This sequence change replaces glycine with cysteine at codon 1297 of the FBN2 protein (p.Gly1297Cys). The glycine residue is highly conserved and there is a large physicochemical difference between glycine and cysteine.

NM_001999.4(FBN2):c.3889G>T (p.Gly1297Cys)

Gene: FBN2 (fibrillin 2; minus strand). Cytogenetic location: 5q23.3.
Variant type: single nucleotide variant.
Coding change: c.3889G>T on transcript NM_001999.4 (MANE Select); coding-DNA position 3889, G replaced by T.
Protein change: p.Gly1297Cys; replaces glycine 1297 with cysteine.
Molecular consequence: missense variant.
Genome position (GRCh38, 1-based): chr5:128,335,254, C>A on the plus strand (G>T on the coding strand, the complement: FBN2 is on the minus strand). VCF-style: chr5-128335254-C-A. GRCh37 (hg19) VCF-style: chr5-127670946-C-A.
Other names: short protein forms G1297C.
Identifiers: ClinVar variation 1053570 (VCV001053570.9), dbSNP rs755489065, ClinGen allele CA360757473.